The following is an entry in ClinVar:

ClinVar aggregate classification (germline): Uncertain significance (1 of 4 stars; one submission).

Conditions:
Hereditary cancer-predisposing syndrome. Also called: Tumor predisposition; Neoplastic Syndromes, Hereditary; Hereditary neoplastic syndrome; Hereditary Cancer Syndrome. Identifiers: Orphanet 140162, MedGen C0027672, MeSH D009386, MONDO:0015356.

Submission:

Ambry Genetics
Classification: Uncertain significance for Hereditary cancer-predisposing syndrome. Last evaluated: 2025-08-27. Review status: criteria provided, single submitter. Criteria: Ambry Variant Classification Scheme 2023. Collection method: clinical testing. Allele origin: germline.
Comment: The p.L421Q variant (also known as c.1262T>A), located in coding exon 13 of the MUTYH gene, results from a T to A substitution at nucleotide position 1262. The leucine at codon 421 is replaced by glutamine, an amino acid with dissimilar properties. This amino acid position is conserved. In addition, the in silico prediction for this alteration is inconclusive. Based on the available evidence, the clinical significance of this variant remains unclear.

NM_001048174.2(MUTYH):c.1178T>A (p.Leu393Gln)

Gene: MUTYH (mutY DNA glycosylase; minus strand). Cytogenetic location: 1p34.1.
Variant type: single nucleotide variant.
Coding change: c.1178T>A on transcript NM_001048174.2 (MANE Select); coding-DNA position 1178, T replaced by A.
Protein change: p.Leu393Gln; replaces leucine 393 with glutamine.
Molecular consequence: missense variant. On other transcripts: non-coding transcript variant (7).
Genome position (GRCh38, 1-based): chr1:45,331,481, A>T on the plus strand (T>A on the coding strand, the complement: MUTYH is on the minus strand). VCF-style: chr1-45331481-A-T. GRCh37 (hg19) VCF-style: chr1-45797153-A-T.
Other names: c.1178T>A, p.Leu393Gln (NM_001048171.2, NM_001048173.2, NM_001293195.2 and 6 more transcripts); c.1181T>A, p.Leu394Gln (NM_001048172.2, NM_001407071.1, NM_001407078.1 and 1 more transcripts); c.1262T>A, p.Leu421Gln (NM_001128425.2); c.1223T>A, p.Leu408Gln (NM_001293190.2); c.1211T>A, p.Leu404Gln (NM_001293191.2, NM_001407069.1, NM_001407077.1); c.902T>A, p.Leu301Gln (NM_001293192.2, NM_001293196.2, NM_001407091.1); c.833T>A, p.Leu278Gln (NM_001350650.2, NM_001350651.2, NM_001407082.1); c.1094T>A, p.Leu365Gln (NM_001407075.1); and 5 more; short protein forms L379Q, L393Q, L278Q, L301Q, L407Q, L365Q, L394Q, L404Q.
Identifiers: ClinVar variation 4112825 (VCV004112825.1).